The following is an entry in ClinVar:

ClinVar aggregate classification (germline): Uncertain significance (1 of 4 stars; one submission).

Conditions:
Familial hemiplegic migraine. Identifiers: MedGen C0338484, MONDO:0000700.

Allele frequency attached by ClinVar (database versions not stated): gnomAD exomes below 0.00001.
gnomAD v4.1: 1 of 1,614,182 alleles (0.000062%); highest among the groups gnomAD compares: South Asian, 0.0011%; no homozygotes.

Submission:

Labcorp Genetics (formerly Invitae), Labcorp
Classification: Uncertain significance for Familial hemiplegic migraine. Last evaluated: 2018-12-17. Review status: criteria provided, single submitter. Criteria: Invitae Variant Classification Sherloc (09022015). Collection method: clinical testing. Allele origin: germline.
Comment: In summary, the available evidence is currently insufficient to determine the role of this variant in disease. Therefore, it has been classified as a Variant of Uncertain Significance. Algorithms developed to predict the effect of missense changes on protein structure and function are either unavailable or do not agree on the potential impact of this missense change (SIFT: "Deleterious"; PolyPhen-2: "Probably Damaging"; Align-GVGD: "Class C15"). This variant has not been reported in the literature in individuals with ATP1A2-related conditions. This variant is not present in population databases (ExAC no frequency). This sequence change replaces methionine with valine at codon 384 of the ATP1A2 protein (p.Met384Val). The methionine residue is highly conserved and there is a small physicochemical difference between methionine and valine.

NM_000702.4(ATP1A2):c.1150A>G (p.Met384Val)

Gene: ATP1A2 (ATPase Na+/K+ transporting subunit alpha 2; plus strand). Cytogenetic location: 1q23.2.
Variant type: single nucleotide variant.
Coding change: c.1150A>G on transcript NM_000702.4 (MANE Select); coding-DNA position 1150, A replaced by G.
Protein change: p.Met384Val; replaces methionine 384 with valine.
Molecular consequence: missense variant.
Genome position (GRCh38, 1-based): chr1:160,128,784, A>G. VCF-style: chr1-160128784-A-G. GRCh37 (hg19) VCF-style: chr1-160098574-A-G.
Other names: short protein forms M384V.
Identifiers: ClinVar variation 641357 (VCV000641357.8), dbSNP rs1570988778, ClinGen allele CA343239566.